The following is an entry in ClinVar:

ClinVar aggregate classification (germline): Uncertain significance (1 of 4 stars; one submission).

Conditions:
Familial thoracic aortic aneurysm and aortic dissection (TAAD). Also called: Thoracic aortic aneurysms and dissections. Identifiers: Orphanet 91387, MedGen C4707243, MONDO:0019625.

Submission:

Ambry Genetics
Classification: Uncertain significance for Familial thoracic aortic aneurysm and aortic dissection. Last evaluated: 2023-07-18. Review status: criteria provided, single submitter. Criteria: Ambry Variant Classification Scheme 2023. Collection method: clinical testing. Allele origin: germline.
Comment: The p.R179P variant (also known as c.536G>C), located in coding exon 4 of the MYLK gene, results from a G to C substitution at nucleotide position 536. The arginine at codon 179 is replaced by proline, an amino acid with dissimilar properties. This amino acid position is conserved. In addition, this alteration is predicted to be deleterious by in silico analysis. Since supporting evidence is limited at this time, the clinical significance of this alteration remains unclear.

NM_053025.4(MYLK):c.536G>C (p.Arg179Pro)

Gene: MYLK (myosin light chain kinase; minus strand). Cytogenetic location: 3q21.1.
Variant type: single nucleotide variant.
Coding change: c.536G>C on transcript NM_053025.4 (MANE Select); coding-DNA position 536, G replaced by C.
Protein change: p.Arg179Pro; replaces arginine 179 with proline.
Molecular consequence: missense variant.
Genome position (GRCh38, 1-based): chr3:123,738,949, C>G on the plus strand (G>C on the coding strand, the complement: MYLK is on the minus strand). VCF-style: chr3-123738949-C-G. GRCh37 (hg19) VCF-style: chr3-123457796-C-G.
Other names: c.8G>C, p.Arg3Pro (NM_001321309.2); c.536G>C, p.Arg179Pro (NM_053026.4, NM_053027.4, NM_053028.4); short protein forms R179P, R3P.
Identifiers: ClinVar variation 2587194 (VCV002587194.2), dbSNP rs1052930526, ClinGen allele CA354241731.